The following is an entry in ClinVar:

NM_006269.2(RP1):c.3397C>A (p.Leu1133Ile)

Gene: RP1 (RP1 axonemal microtubule associated; plus strand). Cytogenetic location: 8q12.1.
Variant type: single nucleotide variant.
Coding change: c.3397C>A on transcript NM_006269.2 (MANE Select); coding-DNA position 3397, C replaced by A.
Protein change: p.Leu1133Ile; replaces leucine 1133 with isoleucine.
Molecular consequence: missense variant. On other transcripts: intron variant (1).
Genome position (GRCh38, 1-based): chr8:54,627,279, C>A. VCF-style: chr8-54627279-C-A. GRCh37 (hg19) VCF-style: chr8-55539839-C-A.
Other names: c.787+4991C>A (NM_001375654.1); short protein forms L1133I.
Identifiers: ClinVar variation 2708182 (VCV002708182.3), dbSNP rs1806087215, ClinGen allele CA370996268.

ClinVar aggregate classification (germline): Uncertain significance (1 of 4 stars; one submission).

gnomAD v4.1: 1 of 1,614,120 alleles (0.000062%); highest among the groups gnomAD compares: Non-Finnish European, 0.000085%; no homozygotes.

Submission:

Labcorp Genetics (formerly Invitae), Labcorp
Classification: Uncertain significance. Last evaluated: 2024-01-07. Review status: criteria provided, single submitter. Criteria: Invitae Variant Classification Sherloc (09022015). Collection method: clinical testing. Allele origin: germline.
Comment: This sequence change replaces leucine, which is neutral and non-polar, with isoleucine, which is neutral and non-polar, at codon 1133 of the RP1 protein (p.Leu1133Ile). This variant is not present in population databases (gnomAD no frequency). This variant has not been reported in the literature in individuals affected with RP1-related conditions. An algorithm developed to predict the effect of missense changes on protein structure and function (PolyPhen-2) suggests that this variant is likely to be disruptive. In summary, the available evidence is currently insufficient to determine the role of this variant in disease. Therefore, it has been classified as a Variant of Uncertain Significance.